The following is an entry in ClinVar:

ClinVar aggregate classification (germline): Likely pathogenic (1 of 4 stars; one submission).

Conditions:
Combined oxidative phosphorylation defect type 17. Also called: Combined oxidative phosphorylation deficiency 17. Identifiers: Orphanet 369913, MedGen C3809526, MONDO:0014190, OMIM 615440.

Allele frequency attached by ClinVar (database versions not stated): TOPMed below 0.00001; ExAC 0.00001; gnomAD 0.00001; gnomAD exomes 0.00001.
gnomAD v4.1: 20 of 1,612,682 alleles (0.0012%); highest among the groups gnomAD compares: Non-Finnish European, 0.0015%; no homozygotes.

Submissions (2):

Labcorp Genetics (formerly Invitae), Labcorp
Classification: Likely pathogenic for Combined oxidative phosphorylation defect type 17. Last evaluated: 2025-10-13. Review status: criteria provided, single submitter. Criteria: Invitae Variant Classification Sherloc (09022015). Collection method: clinical testing. Allele origin: germline.
Comment: This sequence change affects an acceptor splice site in intron 14 of the ELAC2 gene. It is expected to disrupt RNA splicing. Variants that disrupt the donor or acceptor splice site typically lead to a loss of protein function (PMID: 16199547), and loss-of-function variants in ELAC2 are known to be pathogenic (PMID: 27769300, 31045291). This variant is present in population databases (rs779254943, gnomAD 0.0009%). This variant has not been reported in the literature in individuals affected with ELAC2-related conditions. ClinVar contains an entry for this variant (Variation ID: 1475442). Algorithms developed to predict the effect of sequence changes on RNA splicing suggest that this variant may disrupt the consensus splice site. In summary, the currently available evidence indicates that the variant is pathogenic, but additional data are needed to prove that conclusively. Therefore, this variant has been classified as Likely Pathogenic.

Dr. Peter K. Rogan Lab, Western University
No classification provided (evidence only). Condition: Melanoma. Review status: no classification provided. Collection method: in vitro. Allele origin: not applicable. Functional consequence: retained intron. Not counted in ClinVar's aggregate classification.

Literature cited by the submitters: PubMed 16199547 (cited by Labcorp Genetics (formerly Invitae), Labcorp); PubMed 27769300 (cited by Labcorp Genetics (formerly Invitae), Labcorp); PubMed 31045291 (cited by Labcorp Genetics (formerly Invitae), Labcorp).

NM_018127.7(ELAC2):c.1305-2A>G

Gene: ELAC2 (elaC ribonuclease Z 2; minus strand). Cytogenetic location: 17p12.
Variant type: single nucleotide variant.
Coding change: c.1305-2A>G on transcript NM_018127.7 (MANE Select); the canonical splice acceptor site of the intron before coding-DNA position 1305, A replaced by G.
Molecular consequence: splice acceptor variant.
Genome position (GRCh38, 1-based): chr17:13,000,276, T>C on the plus strand (A>G on the coding strand, the complement: ELAC2 is on the minus strand). VCF-style: chr17-13000276-T-C. GRCh37 (hg19) VCF-style: chr17-12903593-T-C.
Other names: c.1185-2A>G (NM_001165962.2); c.1302-2A>G (NM_173717.2).
Identifiers: ClinVar variation 1475442 (VCV001475442.7), dbSNP rs779254943, ClinGen allele CA8401246.